The following is an entry in ClinVar:

ClinVar aggregate classification (germline): Uncertain significance. Review status: criteria provided, multiple submitters, no conflicts (2 of 4 stars). 2 submissions from 2 submitters: Uncertain significance (2). Last evaluated 2024-11-16.

Conditions:
Hereditary cancer-predisposing syndrome. Also called: Neoplastic Syndromes, Hereditary; Tumor predisposition; Hereditary Cancer Syndrome; Hereditary neoplastic syndrome. Identifiers: Orphanet 140162, MedGen C0027672, MeSH D009386, MONDO:0015356.
Gastrointestinal stromal tumor. Also called: Gastrointestinal stromal tumor, somatic; Gastrointestinal stroma tumor. Identifiers: Orphanet 44890, MedGen C0238198, MeSH D046152, MONDO:0011719, OMIM 606764, HP:0100723.

gnomAD v4.1: 3 of 1,610,568 alleles (0.00019%); highest among the groups gnomAD compares: Non-Finnish European, 0.00025%; no homozygotes.

Submissions (2):

Labcorp Genetics (formerly Invitae), Labcorp
Classification: Uncertain significance for Gastrointestinal stromal tumor. Last evaluated: 2024-11-16. Review status: criteria provided, single submitter. Criteria: Invitae Variant Classification Sherloc (09022015). Collection method: clinical testing. Allele origin: germline.
Comment: This sequence change replaces histidine, which is basic and polar, with aspartic acid, which is acidic and polar, at codon 945 of the PDGFRA protein (p.His945Asp). This variant is not present in population databases (gnomAD no frequency). This variant has not been reported in the literature in individuals affected with PDGFRA-related conditions. ClinVar contains an entry for this variant (Variation ID: 858668). Invitae Evidence Modeling of protein sequence and biophysical properties (such as structural, functional, and spatial information, amino acid conservation, physicochemical variation, residue mobility, and thermodynamic stability) indicates that this missense variant is not expected to disrupt PDGFRA protein function with a negative predictive value of 80%. In summary, the available evidence is currently insufficient to determine the role of this variant in disease. Therefore, it has been classified as a Variant of Uncertain Significance.

Ambry Genetics
Classification: Uncertain significance for Hereditary cancer-predisposing syndrome. Last evaluated: 2022-12-26. Review status: criteria provided, single submitter. Criteria: Ambry Variant Classification Scheme 2023. Collection method: clinical testing. Allele origin: germline.
Comment: The p.H945D variant (also known as c.2833C>G), located in coding exon 20 of the PDGFRA gene, results from a C to G substitution at nucleotide position 2833. The histidine at codon 945 is replaced by aspartic acid, an amino acid with similar properties. This amino acid position is conserved. In addition, the in silico prediction for this alteration is inconclusive. Since supporting evidence is limited at this time, the clinical significance of this alteration remains unclear.

NM_006206.6(PDGFRA):c.2833C>G (p.His945Asp)

Gene: PDGFRA (platelet derived growth factor receptor alpha; plus strand). Cytogenetic location: 4q12.
Variant type: single nucleotide variant.
Coding change: c.2833C>G on transcript NM_006206.6 (MANE Select); coding-DNA position 2833, C replaced by G.
Protein change: p.His945Asp; replaces histidine 945 with aspartic acid.
Molecular consequence: missense variant.
Genome position (GRCh38, 1-based): chr4:54,289,067, C>G. VCF-style: chr4-54289067-C-G. GRCh37 (hg19) VCF-style: chr4-55155234-C-G.
Other names: c.2908C>G, p.His970Asp (NM_001347828.2); c.2833C>G, p.His945Asp (NM_001347829.2); c.2872C>G, p.His958Asp (NM_001347830.2); short protein forms H945D, H958D, H970D.
Identifiers: ClinVar variation 858668 (VCV000858668.10), dbSNP rs1724502275, ClinGen allele CA356895783.